The following is an entry in ClinVar:

NM_000264.5(PTCH1):c.2181T>A (p.Cys727Ter)

Genes: PTCH1 (patched 1; minus strand), LOC100507346 (uncharacterized LOC100507346; plus strand). Cytogenetic location: 9q22.32.
Variant type: single nucleotide variant.
Coding change: c.2181T>A on transcript NM_000264.5 (MANE Select); coding-DNA position 2181, T replaced by A.
Protein change: p.Cys727Ter; replaces cysteine 727 with a stop codon.
Molecular consequence: nonsense. On other transcripts: non-coding transcript variant (2).
Genome position (GRCh38, 1-based): chr9:95,468,820, A>T on the plus strand (T>A on the coding strand, the complement: PTCH1 is on the minus strand). VCF-style: chr9-95468820-A-T. GRCh37 (hg19) VCF-style: chr9-98231102-A-T.
Other names: c.1983T>A, p.Cys661Ter (NM_001083602.3); c.2178T>A, p.Cys726Ter (NM_001083603.3); c.1728T>A, p.Cys576Ter (NM_001083604.3, NM_001083605.3, NM_001083606.3 and 1 more transcripts); c.2025T>A, p.Cys675Ter (NM_001354918.2); short protein forms C727*, C576*, C661*, C675*, C726*.
Identifiers: ClinVar variation 3643513 (VCV003643513.2).

ClinVar aggregate classification (germline): Pathogenic (1 of 4 stars; one submission).

Conditions:
Gorlin syndrome. Also called: Nevoid Basal Cell Carcinoma Syndrome; Basal cell nevus syndrome. Identifiers: Orphanet 377, MedGen C0004779, MONDO:0007187.

Submission:

Labcorp Genetics (formerly Invitae), Labcorp
Classification: Pathogenic for Gorlin syndrome. Last evaluated: 2024-02-27. Review status: criteria provided, single submitter. Criteria: Invitae Variant Classification Sherloc (09022015). Collection method: clinical testing. Allele origin: germline.
Comment: This sequence change creates a premature translational stop signal (p.Cys727*) in the PTCH1 gene. It is expected to result in an absent or disrupted protein product. Loss-of-function variants in PTCH1 are known to be pathogenic (PMID: 16301862, 16419085). This variant is not present in population databases (gnomAD no frequency). This variant has not been reported in the literature in individuals affected with PTCH1-related conditions. For these reasons, this variant has been classified as Pathogenic.

Literature cited by the submitters: PubMed 16301862; PubMed 16419085.